The following is an entry in ClinVar:

NM_002335.4(LRP5):c.2432T>C (p.Ile811Thr)

Gene: LRP5 (LDL receptor related protein 5; plus strand). Cytogenetic location: 11q13.2.
Variant type: single nucleotide variant.
Coding change: c.2432T>C on transcript NM_002335.4 (MANE Select); coding-DNA position 2432, T replaced by C.
Protein change: p.Ile811Thr; replaces isoleucine 811 with threonine.
Molecular consequence: missense variant.
Genome position (GRCh38, 1-based): chr11:68,411,549, T>C. VCF-style: chr11-68411549-T-C. GRCh37 (hg19) VCF-style: chr11-68179017-T-C.
Other names: c.689T>C, p.Ile230Thr (NM_001291902.2); short protein forms I811T, I230T.
Identifiers: ClinVar variation 1382636 (VCV001382636.7), dbSNP rs1261083418, ClinGen allele CA381617204.

ClinVar aggregate classification (germline): Uncertain significance. Review status: criteria provided, multiple submitters, no conflicts (2 of 4 stars). 2 submissions from 2 submitters: Uncertain significance (2). Last evaluated 2025-07-29.

Allele frequency attached by ClinVar (database versions not stated): gnomAD exomes below 0.00001; TOPMed 0.00002.
gnomAD v4.1: 2 of 1,613,824 alleles (0.00012%); highest among the groups gnomAD compares: Non-Finnish European, 0.000085%; no homozygotes.

Submissions (2):

Labcorp Genetics (formerly Invitae), Labcorp
Classification: Uncertain significance. Last evaluated: 2025-07-29. Review status: criteria provided, single submitter. Criteria: Invitae Variant Classification Sherloc (09022015). Collection method: clinical testing. Allele origin: germline.
Comment: This sequence change replaces isoleucine, which is neutral and non-polar, with threonine, which is neutral and polar, at codon 811 of the LRP5 protein (p.Ile811Thr). This variant is present in population databases (no rsID available, gnomAD 0.0009%). This variant has not been reported in the literature in individuals affected with LRP5-related conditions. ClinVar contains an entry for this variant (Variation ID: 1382636). Invitae Evidence Modeling of protein sequence and biophysical properties (such as structural, functional, and spatial information, amino acid conservation, physicochemical variation, residue mobility, and thermodynamic stability) indicates that this missense variant is expected to disrupt LRP5 protein function with a positive predictive value of 95%. In summary, the available evidence is currently insufficient to determine the role of this variant in disease. Therefore, it has been classified as a Variant of Uncertain Significance.

GeneDx
Classification: Uncertain significance. Last evaluated: 2022-05-31. Review status: criteria provided, single submitter. Criteria: GeneDx Variant Classification Process June 2021. Collection method: clinical testing. Allele origin: germline. Affected: yes.
Comment: Not observed at significant frequency in large population cohorts (gnomAD); In silico analysis supports that this missense variant has a deleterious effect on protein structure/function; Has not been previously published as pathogenic or benign to our knowledge